The following is an entry in ClinVar:

NM_001134831.2(AHI1):c.164A>G (p.Tyr55Cys)

Gene: AHI1 (Abelson helper integration site 1; minus strand). Cytogenetic location: 6q23.3.
Variant type: single nucleotide variant.
Coding change: c.164A>G on transcript NM_001134831.2 (MANE Select); coding-DNA position 164, A replaced by G.
Protein change: p.Tyr55Cys; replaces tyrosine 55 with cysteine.
Molecular consequence: missense variant.
Genome position (GRCh38, 1-based): chr6:135,467,606, T>C on the plus strand (A>G on the coding strand, the complement: AHI1 is on the minus strand). VCF-style: chr6-135467606-T-C. GRCh37 (hg19) VCF-style: chr6-135788744-T-C.
Other names: c.164A>G, p.Tyr55Cys (NM_001134830.2, NM_001134832.2, NM_001350503.2 and 2 more transcripts); short protein forms Y55C.
Identifiers: ClinVar variation 938427 (VCV000938427.11), dbSNP rs971565169, ClinGen allele CA148150180.
Genomic context (GRCh38, chr6:135,467,606, plus strand): 5'-CTCTTCTTCAGGCTGTTAGTGTTAGCAGTACTTACATCATCACTTGTAGTTTCTTTCATA[T>C]AGTGAAGATTGCTTCTAATAGTGTCAGGCTAAAAAGGAAGACATAATAAAGTTTCAGCTA-3'
Protein context (NP_001128303.1, residues 45-65): SPDTIRSNLH[Tyr55Cys]MKETTSDDPD

ClinVar aggregate classification (germline): Uncertain significance. Review status: criteria provided, multiple submitters, no conflicts (2 of 4 stars). 4 submissions from 4 submitters: Uncertain significance (4). Last evaluated 2025-12-15.

Conditions:
Joubert syndrome 3 (JBTS3). Also called: AHI1-related Ciliopathy. Identifiers: Orphanet 220493, MedGen C1837713, MONDO:0012078, OMIM 608629.
Inborn genetic diseases. Identifiers: MedGen C0950123, MeSH D030342.
Joubert syndrome. Also called: JOUBERT-BOLTSHAUSER SYNDROME; Familial aplasia of the vermis. Identifiers: Orphanet 475, MedGen C5979921, MONDO:0018772.

Allele frequency attached by ClinVar (database versions not stated): TOPMed below 0.00001.

Submissions (4):

Ambry Genetics
Classification: Uncertain significance for Inborn genetic diseases. Last evaluated: 2025-12-15. Review status: criteria provided, single submitter. Criteria: Ambry Variant Classification Scheme 2023. Collection method: clinical testing. Allele origin: germline.

Fulgent Genetics
Classification: Uncertain significance for Joubert syndrome 3. Last evaluated: 2024-01-08. Review status: criteria provided, single submitter. Criteria: ACMG Guidelines, 2015. Collection method: clinical testing. Allele origin: germline.

Blueprint Genetics
Classification: Uncertain significance. Last evaluated: 2022-12-09. Review status: criteria provided, single submitter. Criteria: ACMG Guidelines, 2015. Collection method: clinical testing. Allele origin: germline.

Labcorp Genetics (formerly Invitae), Labcorp
Classification: Uncertain significance for Joubert syndrome. Last evaluated: 2021-08-31. Review status: criteria provided, single submitter. Criteria: Invitae Variant Classification Sherloc (09022015). Collection method: clinical testing. Allele origin: germline.
Comment: This sequence change replaces tyrosine with cysteine at codon 55 of the AHI1 protein (p.Tyr55Cys). The tyrosine residue is weakly conserved and there is a large physicochemical difference between tyrosine and cysteine. This variant is not present in population databases (ExAC no frequency). This variant has not been reported in the literature in individuals affected with AHI1-related conditions. Algorithms developed to predict the effect of missense changes on protein structure and function are either unavailable or do not agree on the potential impact of this missense change (SIFT: "Deleterious"; PolyPhen-2: "Benign"; Align-GVGD: "Class C0"). Algorithms developed to predict the effect of sequence changes on RNA splicing suggest that this variant may create or strengthen a splice site. In summary, the available evidence is currently insufficient to determine the role of this variant in disease. Therefore, it has been classified as a Variant of Uncertain Significance.